The following is an entry in ClinVar:

NM_004285.4(H6PD):c.1214G>A (p.Gly405Asp)

Gene: H6PD (hexose-6-phosphate dehydrogenase/glucose 1-dehydrogenase; plus strand). Cytogenetic location: 1p36.22.
Variant type: single nucleotide variant.
Coding change: c.1214G>A on transcript NM_004285.4 (MANE Select); coding-DNA position 1214, G replaced by A.
Protein change: p.Gly405Asp; replaces glycine 405 with aspartic acid.
Molecular consequence: missense variant.
Genome position (GRCh38, 1-based): chr1:9,263,707, G>A. VCF-style: chr1-9263707-G-A. GRCh37 (hg19) VCF-style: chr1-9323766-G-A.
Other names: c.1247G>A, p.Gly416Asp (NM_001282587.2); short protein forms G416D, G405D.
Identifiers: ClinVar variation 4739495 (VCV004739495.1).

ClinVar aggregate classification (germline): Uncertain significance (1 of 4 stars; one submission).

Submission:

Labcorp Genetics (formerly Invitae), Labcorp
Classification: Uncertain significance. Last evaluated: 2025-04-03. Review status: criteria provided, single submitter. Criteria: Invitae Variant Classification Sherloc (09022015). Collection method: clinical testing. Allele origin: germline.
Comment: This sequence change replaces glycine, which is neutral and non-polar, with aspartic acid, which is acidic and polar, at codon 405 of the H6PD protein (p.Gly405Asp). This variant is not present in population databases (gnomAD no frequency). This variant has not been reported in the literature in individuals affected with H6PD-related conditions. Invitae Evidence Modeling of protein sequence and biophysical properties (such as structural, functional, and spatial information, amino acid conservation, physicochemical variation, residue mobility, and thermodynamic stability) has been performed for this missense variant. However, the output from this modeling did not meet the statistical confidence thresholds required to predict the impact of this variant on H6PD protein function. In summary, the available evidence is currently insufficient to determine the role of this variant in disease. Therefore, it has been classified as a Variant of Uncertain Significance.